The following is an entry in ClinVar:

ClinVar aggregate classification (germline): Conflicting classifications of pathogenicity. Review status: criteria provided, conflicting classifications (1 of 4 stars). 7 submissions from 7 submitters: Uncertain significance (3); Likely benign (3). 1 of the submissions does not count toward it. Last evaluated 2026-02-03.

Conditions:
Marfan syndrome (MFS). Also called: Marfan syndrome type 1; Marfan's syndrome; MARFAN SYNDROME, TYPE I; Marfan syndrome, classic; FBN1-Related Marfan Syndrome. Identifiers: Orphanet 284963, Orphanet 558, MedGen C0024796, MONDO:0007947, OMIM 154700.
Familial thoracic aortic aneurysm and aortic dissection (TAAD). Also called: Thoracic aortic aneurysms and dissections. Identifiers: Orphanet 91387, MedGen C4707243, MONDO:0019625.
FBN1-related disorder. Also called: FBN1-related disorders.

Allele frequency attached by ClinVar (database versions not stated): gnomAD 0.00001; ExAC 0.00002; ESP Exome Variant Server 0.00008; 1000 Genomes Project 30x 0.00016; 1000 Genomes Project 0.00020; TOPMed 0.00001.
gnomAD v4.1: 76 of 1,613,380 alleles (0.0047%); highest among the groups gnomAD compares: Non-Finnish European, 0.0062%; no homozygotes.

Submissions (7):

Labcorp Genetics (formerly Invitae), Labcorp
Classification: Uncertain significance for Marfan syndrome; Familial thoracic aortic aneurysm and aortic dissection. Last evaluated: 2026-02-03. Review status: criteria provided, single submitter. Criteria: Invitae Variant Classification Sherloc (09022015). Collection method: clinical testing. Allele origin: germline.
Comment: This sequence change falls in intron 65 of the FBN1 gene. It does not directly change the encoded amino acid sequence of the FBN1 protein. It affects a nucleotide within the consensus splice site. This variant is present in population databases (rs200822151, gnomAD 0.005%). This variant has not been reported in the literature in individuals affected with FBN1-related conditions. ClinVar contains an entry for this variant (Variation ID: 316361). Variants that disrupt the consensus splice site are a relatively common cause of aberrant splicing (PMID: 17576681, 9536098). Algorithms developed to predict the effect of sequence changes on RNA splicing suggest that this variant is not likely to affect RNA splicing. In summary, the available evidence is currently insufficient to determine the role of this variant in disease. Therefore, it has been classified as a Variant of Uncertain Significance.

Women's Health and Genetics/Laboratory Corporation of America, LabCorp
Classification: Uncertain significance. Last evaluated: 2025-04-17. Review status: criteria provided, single submitter. Criteria: LabCorp Variant Classification Summary - May 2015. Collection method: clinical testing. Allele origin: germline.

Blueprint Genetics
Classification: Likely benign. Last evaluated: 2024-09-23. Review status: criteria provided, single submitter. Criteria: ACMG Guidelines, 2015. Collection method: clinical testing. Allele origin: germline.

Ambry Genetics
Classification: Uncertain significance for Familial thoracic aortic aneurysm and aortic dissection. Last evaluated: 2022-07-13. Review status: criteria provided, single submitter. Criteria: Ambry Variant Classification Scheme 2023. Collection method: clinical testing. Allele origin: germline.
Comment: The c.8227-3C>T intronic variant results from a C to T substitution 3 nucleotides upstream from coding exon 65 in the FBN1 gene. This nucleotide position is well conserved in available vertebrate species. In silico splice site analysis predicts that this alteration will not have any significant effect on splicing. Since supporting evidence is limited at this time, the clinical significance of this alteration remains unclear.

GeneDx
Classification: Likely benign. Last evaluated: 2020-10-29. Review status: criteria provided, single submitter. Criteria: GeneDx Variant Classification Process June 2021. Collection method: clinical testing. Allele origin: germline. Affected: yes.

Color Diagnostics, LLC DBA Color Health
Classification: Likely benign for Familial thoracic aortic aneurysm and aortic dissection. Last evaluated: 2018-05-29. Review status: criteria provided, single submitter. Criteria: ACMG Guidelines, 2015. Collection method: clinical testing. Allele origin: germline.

PreventionGenetics, part of Exact Sciences
Classification: Likely benign for FBN1-related condition. Last evaluated: 2022-09-26. Review status: no assertion criteria provided. Collection method: clinical testing. Allele origin: germline. Not counted in ClinVar's aggregate classification.
Comment: This variant is classified as likely benign based on ACMG/AMP sequence variant interpretation guidelines (Richards et al. 2015 PMID: 25741868, with internal and published modifications).

Literature cited by the submitters: PubMed 17576681 (cited by Labcorp Genetics (formerly Invitae), Labcorp); PubMed 9536098 (cited by Labcorp Genetics (formerly Invitae), Labcorp).

NM_000138.5(FBN1):c.8227-3C>T

Gene: FBN1 (fibrillin 1; minus strand). Cytogenetic location: 15q21.1.
Variant type: single nucleotide variant.
Coding change: c.8227-3C>T on transcript NM_000138.5 (MANE Select); 3 bases into the intron before coding-DNA position 8227, C replaced by T.
Molecular consequence: intron variant.
Genome position (GRCh38, 1-based): chr15:48,411,382, G>A on the plus strand (C>T on the coding strand, the complement: FBN1 is on the minus strand). VCF-style: chr15-48411382-G-A. GRCh37 (hg19) VCF-style: chr15-48703579-G-A.
Identifiers: ClinVar variation 316361 (VCV000316361.22), dbSNP rs200822151, ClinGen allele CA059851.
Genomic context (GRCh38, chr15:48,411,382, plus strand): 5'-CTGTCTTCTCAACATCCCAACTTGCAAGACTCACATTGGCTTCTGTCTCAGACTGATCCT[G>A]GAAAGACACATGGCAATATGTTAAATACAATGTACATATGCCACTTAGCTCTCATATTAA-3'